The following is an entry in ClinVar:

NM_017882.3(CLN6):c.180T>C (p.Phe60=)

Gene: CLN6 (CLN6 transmembrane ER protein; minus strand). Cytogenetic location: 15q23.
Variant type: single nucleotide variant.
Coding change: c.180T>C on transcript NM_017882.3 (MANE Select); coding-DNA position 180, T replaced by C.
Protein change: p.Phe60=; no amino-acid change (phenylalanine 60 retained).
Molecular consequence: synonymous variant.
Genome position (GRCh38, 1-based): chr15:68,218,554, A>G on the plus strand (T>C on the coding strand, the complement: CLN6 is on the minus strand). VCF-style: chr15-68218554-A-G. GRCh37 (hg19) VCF-style: chr15-68510892-A-G.
Identifiers: ClinVar variation 514196 (VCV000514196.10), dbSNP rs1183583039, ClinGen allele CA490915308.
Genomic context (GRCh38, chr15:68,218,554, plus strand): 5'-CCTCAGTGCTGGTCAGAGCCCTGTGCACCATTTCACACTCACCATGGCAATGGGACGCCC[A>G]AAGTCCAGAACCCAGTTCTGCAGTGTGAAGTAGAACCAGAGGTCGAGGTGGAAGGGAGCC-3'
Protein context (NP_060352.1, residues 50-70): YFTLQNWVLD[Phe60=]GRPIAMLVFP

ClinVar aggregate classification (germline): Likely benign. Review status: criteria provided, multiple submitters, no conflicts (2 of 4 stars). 2 submissions from 2 submitters: Likely benign (2). Last evaluated 2025-04-23.

Conditions:
Neuronal ceroid lipofuscinosis. Also called: Neuronal Ceroid Lipofuscinoses. Identifiers: Orphanet 216, Orphanet 79263, MedGen C0027877, MONDO:0016295. Disease mechanism: loss of function.

Allele frequency attached by ClinVar (database versions not stated): TOPMed 0.00001; gnomAD 0.00001.
gnomAD v4.1: 10 of 1,613,640 alleles (0.00062%); highest among the groups gnomAD compares: Middle Eastern, 0.016%; no homozygotes.

Submissions (2):

Labcorp Genetics (formerly Invitae), Labcorp
Classification: Likely benign for Neuronal ceroid lipofuscinosis. Last evaluated: 2025-04-23. Review status: criteria provided, single submitter. Criteria: Invitae Variant Classification Sherloc (09022015). Collection method: clinical testing. Allele origin: germline.

GeneDx
Classification: Likely benign. Last evaluated: 2017-12-20. Review status: criteria provided, single submitter. Criteria: GeneDx Variant Classification (06012015). Collection method: clinical testing. Allele origin: germline. Affected: yes.
Comment: This variant is considered likely benign or benign based on one or more of the following criteria: it is a conservative change, it occurs at a poorly conserved position in the protein, it is predicted to be benign by multiple in silico algorithms, and/or has population frequency not consistent with disease.